The following is an entry in ClinVar:

NM_024422.6(DSC2):c.2241T>C (p.Asp747=)

Gene: DSC2 (desmocollin 2; minus strand). Cytogenetic location: 18q12.1.
Variant type: single nucleotide variant.
Coding change: c.2241T>C on transcript NM_024422.6 (MANE Select); coding-DNA position 2241, T replaced by C.
Protein change: p.Asp747=; no amino-acid change (aspartic acid 747 retained).
Molecular consequence: synonymous variant.
Genome position (GRCh38, 1-based): chr18:31,070,735, A>G on the plus strand (T>C on the coding strand, the complement: DSC2 is on the minus strand). VCF-style: chr18-31070735-A-G. GRCh37 (hg19) VCF-style: chr18-28650701-A-G.
Other names: c.1812T>C, p.Asp604= (NM_001406506.1, NM_001406507.1); c.2241T>C, p.Asp747= (NM_004949.5).
Identifiers: ClinVar variation 3386512 (VCV003386512.1).
Genomic context (GRCh38, chr18:31,070,735, plus strand): 5'-ATTATAAGCGAATTCATCCTTTGTATTTATTTAAAAAGCCAGACTACTTACCACTTTGTC[A>G]TCTCCAGGAGCTTCTGTGTTTGATACAATTAGGTTCTGCTGGGCTAAATCATCAGGAATT-3'
Protein context (NP_077740.1, residues 737-757): LIVSNTEAPG[Asp747=]DKVYSANGFT

ClinVar aggregate classification (germline): Likely benign (1 of 4 stars; one submission).

Conditions:
Familial isolated arrhythmogenic right ventricular dysplasia. Identifiers: Orphanet 217656, MedGen C4274968, MONDO:0016342.

Submission:

All of Us Research Program, National Institutes of Health
Classification: Likely benign for Familial isolated arrhythmogenic right ventricular dysplasia. Last evaluated: 2024-03-25. Review status: criteria provided, single submitter. Criteria: ACMG Guidelines, 2015. Collection method: clinical testing. Allele origin: germline. Inheritance: Autosomal dominant inheritance. Observed: 1 variant allele, 1 heterozygote.
Comment: This study involves interpretation of variants in research participants for the purpose of population health screening. Participant phenotype was not available at the time of variant classification. Additional details can be found in publication PMID: 35346344, PMCID: PMC8962531